The following is an entry in ClinVar:

ClinVar aggregate classification (germline): Pathogenic (1 of 4 stars; one submission).

Conditions:
Cerebral cavernous malformation (CCM). Also called: Cerebral cavernous malformations; Cavernous Hemangioma of Brain; CAVERNOUS ANGIOMA, FAMILIAL; CAVERNOUS ANGIOMATOUS MALFORMATIONS; CEREBRAL CAPILLARY MALFORMATIONS; Cerebral cavernous hemangioma (type). Identifiers: Orphanet 221061, MedGen C2919945, MONDO:0000820, OMIM 116860, HP:0033522.

Submission:

Labcorp Genetics (formerly Invitae), Labcorp
Classification: Pathogenic for Cerebral cavernous malformation. Last evaluated: 2023-06-16. Review status: criteria provided, single submitter. Criteria: Invitae Variant Classification Sherloc (09022015). Collection method: clinical testing. Allele origin: germline.
Comment: This sequence change creates a premature translational stop signal (p.Ile325Hisfs*11) in the KRIT1 gene. It is expected to result in an absent or disrupted protein product. Loss-of-function variants in KRIT1 are known to be pathogenic (PMID: 10508515, 11222804, 12404106, 24689081). This variant is not present in population databases (gnomAD no frequency). For these reasons, this variant has been classified as Pathogenic. This variant has not been reported in the literature in individuals affected with KRIT1-related conditions.

Literature cited by the submitters: PubMed 10508515; PubMed 11222804; PubMed 12404106; PubMed 24689081.

NM_194454.3(KRIT1):c.972dup (p.Ile325fs)

Gene: KRIT1 (KRIT1 ankyrin repeat containing; minus strand). Cytogenetic location: 7q21.2.
Variant type: Duplication.
Coding change: c.972dup on transcript NM_194454.3 (MANE Select); coding-DNA position 972, one base duplicated (C; older notation c.972dupC).
Protein change: p.Ile325fs; shifts the reading frame from isoleucine 325.
Molecular consequence: frameshift variant. On other transcripts: intron variant (3).
Genome position (GRCh38, 1-based): chr7:92,234,466, G duplicated on the plus strand (C on the coding strand, the reverse complement: KRIT1 is on the minus strand); the first of 3 consecutive G bases (chr7:92,234,466-92,234,468); duplicating any one gives the same sequence. VCF-style (leftmost placement, unchanged base first): chr7-92234465-T-TG. GRCh37 (hg19) VCF-style: chr7-91863779-T-TG.
Other names: c.258dup, p.Ile87fs (NM_001350671.1); c.972dup, p.Ile325fs (NM_001350672.1, NM_001350673.1, NM_001350674.1 and 26 more transcripts); c.845+342dup (NM_001350669.1, NM_001013406.2, NM_001350670.1); short protein forms I325fs, I87fs.
Identifiers: ClinVar variation 2717742 (VCV002717742.3), dbSNP rs1563301305, ClinGen allele CA2697557371.
Genomic context (GRCh38, chr7:92,234,465, plus strand): 5'-AAATGTATTCTTTCTAAAAAGAAAAGAATAAATATTCCATTTACCAGCATGCATAATGAA[T>TG]GGGTGCCCAGTGGTCACTATCTAACTGGTTGACTGAAAATCTTTCACTGAGAAGACGGCT-3'